The following is an entry in ClinVar:

NM_001793.6(CDH3):c.2341G>A (p.Asp781Asn)

Gene: CDH3 (cadherin 3; plus strand). Cytogenetic location: 16q22.1.
Variant type: single nucleotide variant.
Coding change: c.2341G>A on transcript NM_001793.6 (MANE Select); coding-DNA position 2341, G replaced by A.
Protein change: p.Asp781Asn; replaces aspartic acid 781 with asparagine.
Molecular consequence: missense variant. On other transcripts: 3 prime UTR variant (1).
Genome position (GRCh38, 1-based): chr16:68,698,251, G>A. VCF-style: chr16-68698251-G-A. GRCh37 (hg19) VCF-style: chr16-68732154-G-A.
Other names: c.*84G>A (NM_001317195.3); c.2176G>A, p.Asp726Asn (NM_001317196.2); c.2341G>A (NM_001793.4); short protein forms D726N, D781N.
Identifiers: ClinVar variation 1005494 (VCV001005494.8), dbSNP rs935068731, ClinGen allele CA283291333.

ClinVar aggregate classification (germline): Uncertain significance. Review status: criteria provided, multiple submitters, no conflicts (2 of 4 stars). 2 submissions from 2 submitters: Uncertain significance (2). Last evaluated 2025-06-17.

Conditions:
Inborn genetic diseases. Identifiers: MedGen C0950123, MeSH D030342.

Allele frequency attached by ClinVar (database versions not stated): gnomAD 0.00003 and 0.00004; TOPMed 0.00003.
gnomAD v4.1: 13 of 1,614,086 alleles (0.00081%); highest among the groups gnomAD compares: African/African-American, 0.0093%; no homozygotes.

Submissions (2):

Ambry Genetics
Classification: Uncertain significance for Inborn genetic diseases. Last evaluated: 2025-06-17. Review status: criteria provided, single submitter. Criteria: Ambry Variant Classification Scheme 2023. Collection method: clinical testing. Allele origin: germline.

Labcorp Genetics (formerly Invitae), Labcorp
Classification: Uncertain significance. Last evaluated: 2021-06-24. Review status: criteria provided, single submitter. Criteria: Invitae Variant Classification Sherloc (09022015). Collection method: clinical testing. Allele origin: germline.
Comment: In summary, the available evidence is currently insufficient to determine the role of this variant in disease. Therefore, it has been classified as a Variant of Uncertain Significance. Algorithms developed to predict the effect of missense changes on protein structure and function are either unavailable or do not agree on the potential impact of this missense change (SIFT: "Not Available"; PolyPhen-2: "Probably Damaging"; Align-GVGD: "Not Available"). This variant has not been reported in the literature in individuals with CDH3-related conditions. This variant is not present in population databases (ExAC no frequency). This sequence change replaces aspartic acid with asparagine at codon 781 of the CDH3 protein (p.Asp781Asn). The aspartic acid residue is highly conserved and there is a small physicochemical difference between aspartic acid and asparagine.